The following is an entry in ClinVar:

ClinVar aggregate classification (germline): Uncertain significance (1 of 4 stars; one submission).

Submission:

Labcorp Genetics (formerly Invitae), Labcorp
Classification: Uncertain significance. Last evaluated: 2022-07-29. Review status: criteria provided, single submitter. Criteria: Invitae Variant Classification Sherloc (09022015). Collection method: clinical testing. Allele origin: germline.
Comment: This sequence change replaces aspartic acid, which is acidic and polar, with glutamic acid, which is acidic and polar, at codon 130 of the FAT4 protein (p.Asp130Glu). This variant is not present in population databases (gnomAD no frequency). This variant has not been reported in the literature in individuals affected with FAT4-related conditions. Advanced modeling of protein sequence and biophysical properties (such as structural, functional, and spatial information, amino acid conservation, physicochemical variation, residue mobility, and thermodynamic stability) performed at Invitae indicates that this missense variant is expected to disrupt FAT4 protein function. In summary, the available evidence is currently insufficient to determine the role of this variant in disease. Therefore, it has been classified as a Variant of Uncertain Significance.

NM_001291303.3(FAT4):c.390C>G (p.Asp130Glu)

Gene: FAT4 (FAT atypical cadherin 4; plus strand). Cytogenetic location: 4q28.1.
Variant type: single nucleotide variant.
Coding change: c.390C>G on transcript NM_001291303.3 (MANE Select); coding-DNA position 390, C replaced by G.
Protein change: p.Asp130Glu; replaces aspartic acid 130 with glutamic acid.
Molecular consequence: missense variant.
Genome position (GRCh38, 1-based): chr4:125,316,801, C>G. VCF-style: chr4-125316801-C-G. GRCh37 (hg19) VCF-style: chr4-126237956-C-G.
Other names: c.390C>G, p.Asp130Glu (NM_001291285.3, NM_024582.6); short protein forms D130E.
Identifiers: ClinVar variation 2013521 (VCV002013521.4), dbSNP rs373639016, ClinGen allele CA358115693.